The following is an entry in ClinVar:

NM_017780.4(CHD7):c.2959C>T (p.Arg987Ter)

Gene: CHD7 (chromodomain helicase DNA binding protein 7; plus strand). Cytogenetic location: 8q12.2.
Variant type: single nucleotide variant.
Coding change: c.2959C>T on transcript NM_017780.4 (MANE Select); coding-DNA position 2959, C replaced by T.
Protein change: p.Arg987Ter; replaces arginine 987 with a stop codon.
Molecular consequence: nonsense. On other transcripts: intron variant (1).
Genome position (GRCh38, 1-based): chr8:60,822,504, C>T. VCF-style: chr8-60822504-C-T. GRCh37 (hg19) VCF-style: chr8-61735063-C-T.
Other names: c.2959C>T (LRG_176t1); c.1717-39725C>T (NM_001316690.1); short protein forms R987*.
Identifiers: ClinVar variation 267421 (VCV000267421.45), dbSNP rs886040983, ClinGen allele CA10602488.
Genomic context (GRCh38, chr8:60,822,504, plus strand): 5'-GACAGCAGTGTGTCATATCCATACTCATTAAACTTTTGTACTTCATTTTCCTCCTAAAGG[C>T]GAAACTGCATTTTAGCAGATGAAATGGGTTTGGGAAAAACTATCCAGTCCATTACATTTC-3'

ClinVar aggregate classification (germline): Pathogenic. Review status: criteria provided, multiple submitters, no conflicts (2 of 4 stars). 8 submissions from 8 submitters: Pathogenic (8). Last evaluated 2025-10-01.

Conditions:
CHARGE syndrome (CHARGE). Also called: Hittner Hirsch Kreh syndrome; Coloboma, heart anomaly, choanal atresia, retardation, genital and ear anomalies; CHARGE association; Hall-Hittner syndrome; CHARGE ASSOCIATION--COLOBOMA, HEART ANOMALY, CHOANAL ATRESIA, RETARDATION, GENITAL AND EAR ANOMALIES. Identifiers: Orphanet 138, MedGen C0265354, MONDO:0008965.

Submissions (8):

Dasa
Classification: Pathogenic. Last evaluated: 2025-10-01. Review status: criteria provided, single submitter. Criteria: DASA Assertion Criteria. Collection method: clinical testing. Allele origin: germline.
Comment: NM_017780.4(CHD7):c.2959C>T (p.Arg987*) introduces a premature termination codon predicted to result in loss of normal protein function. Loss-of-function is an established mechanism of disease for this gene. De novo occurrence has been reported in an individual with related phenotype. This variant has been recurrently observed in individuals with related phenotype (PMID: 16169932; PMID: 21158681; PMID: 23024289; PMID: 35105264; PMID: 36794641). The variant is present at low frequency in population datasets. Based on the available data, this variant is classified as pathogenic.

Labcorp Genetics (formerly Invitae), Labcorp
Classification: Pathogenic for CHARGE syndrome. Last evaluated: 2023-12-09. Review status: criteria provided, single submitter. Criteria: Invitae Variant Classification Sherloc (09022015). Collection method: clinical testing. Allele origin: germline.
Comment: This sequence change creates a premature translational stop signal (p.Arg987*) in the CHD7 gene. It is expected to result in an absent or disrupted protein product. Loss-of-function variants in CHD7 are known to be pathogenic (PMID: 22461308, 25077900). This variant is not present in population databases (gnomAD no frequency). This premature translational stop signal has been observed in individual(s) with clinical features of CHARGE syndrome (PMID: 16169932, 21158681, 23024289; Invitae). In at least one individual the variant was observed to be de novo. ClinVar contains an entry for this variant (Variation ID: 267421). For these reasons, this variant has been classified as Pathogenic.

CeGaT Center for Human Genetics Tuebingen
Classification: Pathogenic. Last evaluated: 2023-02-01. Review status: criteria provided, single submitter. Criteria: CeGaT Center For Human Genetics Tuebingen Variant Classification Criteria Version 2. Collection method: clinical testing. Allele origin: germline. Affected: yes. Observed: 1 variant allele.
Comment: CHD7: PVS1, PS2, PM2, PS4:Supporting

GeneDx
Classification: Pathogenic. Last evaluated: 2022-05-28. Review status: criteria provided, single submitter. Criteria: GeneDx Variant Classification Process June 2021. Collection method: clinical testing. Allele origin: germline. Affected: yes.
Comment: Nonsense variant predicted to result in protein truncation or nonsense mediated decay in a gene for which loss-of-function is a known mechanism of disease; Not observed in large population cohorts (gnomAD); This variant is associated with the following publications: (PMID: 21158681, 25525159, 16169932, 23024289, 30183354, 33726816)

Cytogénomique, Hospices Civils de Lyon
Classification: Pathogenic for CHARGE syndrome. Last evaluated: 2022-03-14. Review status: criteria provided, single submitter. Criteria: ACMG Guidelines, 2015. Collection method: clinical testing. Allele origin: de novo. Inheritance: Sporadic. Affected: yes. Observed: 1 variant allele, 1 heterozygote.
Comment: Non sense variant absent from gnomAD, previously reported pathogenic

Clinical Genetics and Genomics, Karolinska University Hospital
Classification: Pathogenic. Last evaluated: 2019-01-23. Review status: criteria provided, single submitter. Criteria: ACMG Guidelines, 2015. Collection method: clinical testing. Allele origin: germline. Affected: yes. Observed: 1 variant allele.

Genomic Diagnostic Laboratory, Division of Genomic Diagnostics, Children's Hospital of Philadelphia
Classification: Pathogenic for CHARGE syndrome. Last evaluated: 2016-09-05. Review status: criteria provided, single submitter. Criteria: DGD Variant Analysis Guidelines. Collection method: clinical testing. Allele origin: germline. Affected: yes. Observed: 1 variant allele.
Comment: Clinical Testing

Lifecell International Pvt. Ltd
Classification: Pathogenic for CHD7-related CHARGE syndrome. Review status: criteria provided, single submitter. Criteria: ACMG Guidelines, 2015. Collection method: clinical testing. Allele origin: germline. Inheritance: Autosomal dominant inheritance. Affected: yes. Observed: 1 heterozygote.
Comment: A Heterozygous Nonsense variant c.2959C>T in Exon 12 of the CHD7 gene that results in the amino acid substitution p.Arg987* was identified. The observed variant is novel in gnomAD exomes and genomes. The severity of the impact of this variant on the protein is high, based on the effect of the protein and REVEL score. Rare Exome Variant Ensemble Learner (REVEL) is an ensembl method for predicting the pathogenicity of missense variants based on a combination of scores from 13 individual tools: MutPred, FATHMM v2.3, VEST 3.0, PolyPhen-2, SIFT, PROVEAN, MutationAssessor, MutationTaster, LRT, GERP++, SiPhy, phyloP, and phastCons. The REVEL score for an individual missense variant can range from 0 to 1, with higher scores reflecting greater likelihood that the variant is disease-causing. ClinVar has also classified this variant as Pathogenic [Variant ID: 267421]. The observed variation has been previously reported in patients affected with CHARGE syndrome (Legendre, Marine et al., 2012). For these reasons, this variant has been classified as Pathogenic.

Literature cited by the submitters: PubMed 16169932 (cited by Dasa and Labcorp Genetics (formerly Invitae), Labcorp); PubMed 21158681 (cited by Dasa and Labcorp Genetics (formerly Invitae), Labcorp); PubMed 23024289 (cited by 3 submitters); PubMed 35105264 (cited by Dasa); PubMed 36794641 (cited by Dasa); PubMed 22461308 (cited by Labcorp Genetics (formerly Invitae), Labcorp); PubMed 25077900 (cited by Labcorp Genetics (formerly Invitae), Labcorp).